The following is an entry in ClinVar:

ClinVar aggregate classification (germline): Uncertain significance (1 of 4 stars; one submission).

Conditions:
Familial adenomatous polyposis 1 (FAP1). Also called: FAMILIAL ADENOMATOUS POLYPOSIS 1, ATTENUATED; POLYPOSIS, ADENOMATOUS INTESTINAL. Identifiers: MedGen C2713442, MONDO:0021056, OMIM 175100. Disease mechanism: loss of function.

Allele frequency attached by ClinVar (database versions not stated): TOPMed below 0.00001; gnomAD exomes below 0.00001.
gnomAD v4.1: 1 of 544,956 alleles (0.00018%); highest among the groups gnomAD compares: Non-Finnish European, 0.00031%; no homozygotes.

Submission:

Labcorp Genetics (formerly Invitae), Labcorp
Classification: Uncertain significance for Familial adenomatous polyposis 1. Last evaluated: 2025-08-18. Review status: criteria provided, single submitter. Criteria: Invitae Variant Classification Sherloc (09022015). Collection method: clinical testing. Allele origin: germline.
Comment: This variant occurs in a non-coding region of the APC gene. It does not change the encoded amino acid sequence of the APC protein. This variant is not present in population databases (gnomAD no frequency). This variant has not been reported in the literature in individuals affected with APC-related conditions. ClinVar contains an entry for this variant (Variation ID: 639512). Experimental studies and prediction algorithms are not available or were not evaluated, and the functional significance of this variant is currently unknown. In summary, the available evidence is currently insufficient to determine the role of this variant in disease. Therefore, it has been classified as a Variant of Uncertain Significance.

NM_001127511.3(APC):c.-172A>T

Gene: APC (APC regulator of Wnt signaling pathway; plus strand). Cytogenetic location: 5q22.2.
Variant type: single nucleotide variant.
Coding change: c.-172A>T on transcript NM_001127511.3; 172 bases upstream of the start codon, A replaced by T.
Molecular consequence: 5 prime UTR variant. On other transcripts: non-coding transcript variant (2).
Genome position (GRCh38, 1-based): chr5:112,707,546, A>T. VCF-style: chr5-112707546-A-T. GRCh37 (hg19) VCF-style: chr5-112043243-A-T.
Other names: c.-355A>T (NM_001354895.2, NM_001407447.1, NM_001407452.1 and 3 more transcripts); c.-172A>T (NM_001354897.2, NM_001354902.2, NM_001407446.1); c.-122A>T (NM_001407448.1, NM_001407450.1, NM_001407457.1 and 1 more transcripts); c.-146A>T (NM_001407453.1); c.-1390A>T (NM_001407470.1, NM_001407472.1).
Identifiers: ClinVar variation 639512 (VCV000639512.7), dbSNP rs1580995983, ClinGen allele CA915943580.